The following is an entry in ClinVar:

ClinVar aggregate classification (germline): Pathogenic. Review status: criteria provided, multiple submitters, no conflicts (2 of 4 stars). 6 submissions from 6 submitters: Pathogenic (5). 1 of the submissions does not count toward it. Last evaluated 2023-05-09.

Conditions:
Hereditary cancer-predisposing syndrome. Also called: Hereditary neoplastic syndrome; Tumor predisposition; Hereditary Cancer Syndrome; Neoplastic Syndromes, Hereditary. Identifiers: Orphanet 140162, MedGen C0027672, MeSH D009386, MONDO:0015356.
Familial adenomatous polyposis 1 (FAP1). Also called: FAMILIAL ADENOMATOUS POLYPOSIS 1, ATTENUATED; POLYPOSIS, ADENOMATOUS INTESTINAL. Identifiers: MedGen C2713442, MONDO:0021056, OMIM 175100. Disease mechanism: loss of function.

Submissions (6):

Myriad Genetics, Inc.
Classification: Pathogenic for Familial adenomatous polyposis 1. Last evaluated: 2023-05-09. Review status: criteria provided, single submitter. Criteria: Myriad Autosomal Dominant, Autosomal Recessive and X-Linked Classification Criteria (2023). Collection method: clinical testing. Allele origin: unknown.
Comment: This variant is considered pathogenic. This variant creates a termination codon and is predicted to result in premature protein truncation.

GeneDx
Classification: Pathogenic. Last evaluated: 2022-05-23. Review status: criteria provided, single submitter. Criteria: GeneDx Variant Classification Process June 2021. Collection method: clinical testing. Allele origin: germline. Affected: yes.
Comment: Nonsense variant predicted to result in protein truncation or nonsense mediated decay in a gene for which loss of function is a known mechanism of disease; Not observed at significant frequency in large population cohorts (gnomAD); This variant is associated with the following publications: (PMID: 8252631)

Ambry Genetics
Classification: Pathogenic for Hereditary cancer-predisposing syndrome. Last evaluated: 2020-09-04. Review status: criteria provided, single submitter. Criteria: Ambry Variant Classification Scheme 2023. Collection method: clinical testing. Allele origin: germline.
Comment: The p.Q1193* pathogenic mutation (also known as c.3577C>T), located in coding exon 15 of the APC gene, results from a C to T substitution at nucleotide position 3577. This changes the amino acid from a glutamine to a stop codon within coding exon 15. This mutation has been reported in patients with familial adenomatous polyposis (FAP) (Gutierrez Sanchez LH et al. Gastrointest. Endosc., 2018 Mar;87:648-656.e3; Olschwang S et al. Cell, 1993 Dec;75:959-68; Lagarde A et al. J. Med. Genet., 2010 Oct;47:721-2). This alteration occurs at the 3' terminus of APC gene, is not expected to trigger nonsense-mediated mRNA decay, and impacts the last 1651 amino acids of the protein. However, premature stop codons are typically deleterious in nature and multiple pathogenic truncating mutations have been reported downstream of this alteration in patients with a personal and/or family history of polyposis (Ambry internal data). This variant was not reported in population-based cohorts in the Genome Aggregation Database (gnomAD). Based on the supporting evidence, this alteration is interpreted as a disease-causing mutation.

Labcorp Genetics (formerly Invitae), Labcorp
Classification: Pathogenic for Familial adenomatous polyposis 1. Last evaluated: 2020-01-31. Review status: criteria provided, single submitter. Criteria: Invitae Variant Classification Sherloc (09022015). Collection method: clinical testing. Allele origin: germline.
Comment: A different truncation (p.Tyr2645Lysfs*14) that lies downstream of this variant has been determined to be pathogenic (PMID: 9824584, 1316610, 27081525, 8381579, 22135120, Invitae). This suggests that deletion of this region of the APC protein is causative of disease. This variant is expected to disrupt the EB1 and HDLG binding sites, which mediate interactions with the cytoskeleton (PMID: 15311282, 17293347). While functional studies have not been performed to directly test the effect on APC protein function, this suggests that disruption of the C-terminal portion of the protein is functionally important. For these reasons, this variant has been classified as Pathogenic. This sequence change results in a premature translational stop signal in the APC gene (p.Gln1193*). While this is not anticipated to result in nonsense mediated decay, it is expected to disrupt the last 1651 amino acids of the APC protein. This variant has been observed in individual(s) with familial adenomatous polyposis (PMID: 8252631, 20685668). ClinVar contains an entry for this variant (Variation ID: 492664). This variant is not present in population databases (ExAC no frequency).

Color Diagnostics, LLC DBA Color Health
Classification: Pathogenic for Hereditary cancer-predisposing syndrome. Last evaluated: 2020-01-15. Review status: criteria provided, single submitter. Criteria: ACMG Guidelines, 2015. Collection method: clinical testing. Allele origin: germline.
Comment: This variant changes 1 nucleotide in exon 16 of the APC gene, creating a premature translation stop signal. This variant is expected to result in an absent or non-functional protein product. This variant has not been identified in the general population by the Genome Aggregation Database (gnomAD). Loss of APC function is a known mechanism of disease. Based on the available evidence, this variant is classified as Pathogenic.

Mayo Clinic Laboratories, Mayo Clinic
Classification: Pathogenic. Review status: no assertion criteria provided. Collection method: clinical testing. Allele origin: unknown. Not counted in ClinVar's aggregate classification.

Literature cited by the submitters: PubMed 16944273 (cited by Ambry Genetics); PubMed 20685668 (cited by Ambry Genetics and Labcorp Genetics (formerly Invitae), Labcorp); PubMed 29122597 (cited by Ambry Genetics); PubMed 8252631 (cited by Ambry Genetics and Labcorp Genetics (formerly Invitae), Labcorp); PubMed 9824584 (cited by Labcorp Genetics (formerly Invitae), Labcorp); PubMed 1316610 (cited by Labcorp Genetics (formerly Invitae), Labcorp); PubMed 27081525 (cited by Labcorp Genetics (formerly Invitae), Labcorp); PubMed 8381579 (cited by Labcorp Genetics (formerly Invitae), Labcorp); PubMed 22135120 (cited by Labcorp Genetics (formerly Invitae), Labcorp); PubMed 15311282 (cited by Labcorp Genetics (formerly Invitae), Labcorp); PubMed 17293347 (cited by Labcorp Genetics (formerly Invitae), Labcorp).

NM_000038.6(APC):c.3577C>T (p.Gln1193Ter)

Gene: APC (APC regulator of Wnt signaling pathway; plus strand). Cytogenetic location: 5q22.2.
Variant type: single nucleotide variant.
Coding change: c.3577C>T on transcript NM_000038.6 (MANE Select); coding-DNA position 3577, C replaced by T.
Protein change: p.Gln1193Ter; replaces glutamine 1193 with a stop codon.
Molecular consequence: nonsense.
Genome position (GRCh38, 1-based): chr5:112,839,171, C>T. VCF-style: chr5-112839171-C-T. GRCh37 (hg19) VCF-style: chr5-112174868-C-T.
Other names: c.3577C>T, p.Gln1193Ter (NM_001127510.3, NM_001354895.2); c.3523C>T, p.Gln1175Ter (NM_001127511.3); c.3631C>T, p.Gln1211Ter (NM_001354896.2); c.3607C>T, p.Gln1203Ter (NM_001354897.2); c.3502C>T, p.Gln1168Ter (NM_001354898.2); c.3493C>T, p.Gln1165Ter (NM_001354899.2); c.3454C>T, p.Gln1152Ter (NM_001354900.2); c.3400C>T, p.Gln1134Ter (NM_001354901.2); and 5 more; short protein forms Q1175*, Q1193*, Q1203*, Q910*, Q1134*, Q1165*, Q1092*, Q1168*.
Identifiers: ClinVar variation 492664 (VCV000492664.24), dbSNP rs1554085128, ClinGen allele CA16029191.
Genomic context (GRCh38, chr5:112,839,171, plus strand): 5'-GTGGATCAGCCTATTGATTATAGTTTAAAATATGCCACAGATATTCCTTCATCACAGAAA[C>T]AGTCATTTTCATTCTCAAAGAGTTCATCTGGACAAAGCAGTAAAACCGAACATATGTCTT-3'